The following is an entry in ClinVar:

ClinVar aggregate classification (germline): Pathogenic (1 of 4 stars; one submission).

Submission:

Labcorp Genetics (formerly Invitae), Labcorp
Classification: Pathogenic. Last evaluated: 2020-01-29. Review status: criteria provided, single submitter. Criteria: Invitae Variant Classification Sherloc (09022015). Collection method: clinical testing. Allele origin: germline.
Comment: This sequence change creates a premature translational stop signal (p.Cys86Valfs*5) in the RP2 gene. It is expected to result in an absent or disrupted protein product. For these reasons, this variant has been classified as Pathogenic. This variant has not been reported in the literature in individuals with RP2-related conditions. Loss-of-function variants in RP2 are known to be pathogenic (PMID: 11992260, 20625056). This variant is not present in population databases (ExAC no frequency).

Literature cited by the submitters: PubMed 11992260; PubMed 20625056.

NM_006915.3(RP2):c.255del (p.Cys86fs)

Gene: RP2 (RP2 activator of ARL3 GTPase; plus strand). Cytogenetic location: Xp11.3.
Variant type: Deletion.
Coding change: c.255del on transcript NM_006915.3 (MANE Select); coding-DNA position 255, one base deleted (C; older notation c.255delC).
Protein change: p.Cys86fs; shifts the reading frame from cysteine 86.
Molecular consequence: frameshift variant.
Genome position (GRCh38, 1-based): chrX:46,853,628, C deleted. VCF-style (leftmost placement, unchanged base first): chrX-46853627-AC-A. GRCh37 (hg19) VCF-style: chrX-46713062-AC-A.
Other names: short protein forms C86fs.
Identifiers: ClinVar variation 1068927 (VCV001068927.7), dbSNP rs2147081234, ClinGen allele CA2499226728.